The following is an entry in ClinVar:

NM_001572.5(IRF7):c.404G>A (p.Gly135Asp)

Gene: IRF7 (interferon regulatory factor 7; minus strand). Cytogenetic location: 11p15.5.
Variant type: single nucleotide variant.
Coding change: c.404G>A on transcript NM_001572.5 (MANE Select); coding-DNA position 404, G replaced by A.
Protein change: p.Gly135Asp; replaces glycine 135 with aspartic acid.
Molecular consequence: missense variant.
Genome position (GRCh38, 1-based): chr11:614,525, C>T on the plus strand (G>A on the coding strand, the complement: IRF7 is on the minus strand). VCF-style: chr11-614525-C-T. GRCh37 (hg19) VCF-style: chr11-614525-C-T.
Other names: c.404G>A, p.Gly135Asp (NM_004029.4); c.443G>A, p.Gly148Asp (NM_004031.4); short protein forms G135D, G148D.
Identifiers: ClinVar variation 2195218 (VCV002195218.4), dbSNP rs1164906479, ClinGen allele CA378982682.

ClinVar aggregate classification (germline): Uncertain significance (1 of 4 stars; one submission).

Conditions:
Immunodeficiency 39 (IMD39). Identifiers: Orphanet 574918, MedGen C4225358, MONDO:0014597, OMIM 616345.

Allele frequency attached by ClinVar (database versions not stated): gnomAD exomes 0.00001.
gnomAD v4.1: 17 of 1,554,288 alleles (0.0011%); highest among the groups gnomAD compares: African/African-American, 0.0054%; no homozygotes.

Submission:

Labcorp Genetics (formerly Invitae), Labcorp
Classification: Uncertain significance for Immunodeficiency 39. Last evaluated: 2024-08-13. Review status: criteria provided, single submitter. Criteria: Invitae Variant Classification Sherloc (09022015). Collection method: clinical testing. Allele origin: germline.
Comment: This sequence change replaces glycine, which is neutral and non-polar, with aspartic acid, which is acidic and polar, at codon 148 of the IRF7 protein (p.Gly148Asp). The frequency data for this variant in the population databases is considered unreliable, as metrics indicate poor data quality at this position in the gnomAD database. This variant has not been reported in the literature in individuals affected with IRF7-related conditions. ClinVar contains an entry for this variant (Variation ID: 2195218). Invitae Evidence Modeling of protein sequence and biophysical properties (such as structural, functional, and spatial information, amino acid conservation, physicochemical variation, residue mobility, and thermodynamic stability) indicates that this missense variant is not expected to disrupt IRF7 protein function with a negative predictive value of 80%. In summary, the available evidence is currently insufficient to determine the role of this variant in disease. Therefore, it has been classified as a Variant of Uncertain Significance.